The following is an entry in ClinVar:

ClinVar aggregate classification (germline): Uncertain significance (1 of 4 stars; one submission).

Conditions:
Severe combined immunodeficiency due to DNA-PKcs deficiency. Also called: IMMUNODEFICIENCY 26 WITH NEUROLOGIC ABNORMALITIES; Immunodeficiency 26 with or without neurologic abnormalities. Identifiers: Orphanet 317425, MedGen C4014833, MONDO:0014423, OMIM 615966.

Allele frequency attached by ClinVar (database versions not stated): gnomAD exomes 0.00005; 1000 Genomes Project 30x 0.00016.
gnomAD v4.1: 78 of 1,613,480 alleles (0.0048%); highest among the groups gnomAD compares: East Asian, 0.071%; no homozygotes.

Submission:

Labcorp Genetics (formerly Invitae), Labcorp
Classification: Uncertain significance for Severe combined immunodeficiency due to DNA-PKcs deficiency. Last evaluated: 2021-03-08. Review status: criteria provided, single submitter. Criteria: Invitae Variant Classification Sherloc (09022015). Collection method: clinical testing. Allele origin: germline.
Comment: This sequence change replaces glycine with serine at codon 2262 of the PRKDC protein (p.Gly2262Ser). The glycine residue is weakly conserved and there is a small physicochemical difference between glycine and serine. This variant is present in population databases (rs754689694, ExAC 0.05%). This variant has not been reported in the literature in individuals with PRKDC-related conditions. Experimental studies and prediction algorithms are not available or were not evaluated, and the functional significance of this variant is currently unknown. In summary, the available evidence is currently insufficient to determine the role of this variant in disease. Therefore, it has been classified as a Variant of Uncertain Significance.

NM_006904.7(PRKDC):c.6784G>A (p.Gly2262Ser)

Gene: PRKDC (protein kinase, DNA-activated, catalytic subunit; minus strand). Cytogenetic location: 8q11.21.
Variant type: single nucleotide variant.
Coding change: c.6784G>A on transcript NM_006904.7 (MANE Select); coding-DNA position 6784, G replaced by A.
Protein change: p.Gly2262Ser; replaces glycine 2262 with serine.
Molecular consequence: missense variant.
Genome position (GRCh38, 1-based): chr8:47,854,192, C>T on the plus strand (G>A on the coding strand, the complement: PRKDC is on the minus strand). VCF-style: chr8-47854192-C-T. GRCh37 (hg19) VCF-style: chr8-48766753-C-T.
Other names: c.6784G>A, p.Gly2262Ser (NM_001081640.2); short protein forms G2262S.
Identifiers: ClinVar variation 1524455 (VCV001524455.3), dbSNP rs754689694, ClinGen allele CA4740258.